The following is an entry in ClinVar:

ClinVar aggregate classification (germline): Uncertain significance (1 of 4 stars; one submission).

Submission:

GeneDx
Classification: Uncertain significance. Last evaluated: 2025-09-25. Review status: criteria provided, single submitter. Criteria: GeneDx Variant Classification Process June 2021. Collection method: clinical testing. Allele origin: germline.
Comment: Not observed at significant frequency in large population cohorts (gnomAD); In silico analysis supports that this missense variant has a deleterious effect on protein structure/function; Has not been previously published as pathogenic or benign to our knowledge

NM_003128.3(SPTBN1):c.253G>C (p.Gly85Arg)

Gene: SPTBN1 (spectrin beta, non-erythrocytic 1; plus strand). Cytogenetic location: 2p16.2.
Variant type: single nucleotide variant.
Coding change: c.253G>C on transcript NM_003128.3 (MANE Select); coding-DNA position 253, G replaced by C.
Protein change: p.Gly85Arg; replaces glycine 85 with arginine.
Molecular consequence: missense variant.
Genome position (GRCh38, 1-based): chr2:54,599,196, G>C. VCF-style: chr2-54599196-G-C. GRCh37 (hg19) VCF-style: chr2-54826333-G-C.
Other names: c.214G>C, p.Gly72Arg (NM_178313.3); short protein forms G72R, G85R.
Identifiers: ClinVar variation 3375963 (VCV003375963.2).